The following is an entry in ClinVar:

NM_000047.3(ARSL):c.185+1G>A

Gene: ARSL (arylsulfatase L; minus strand). Cytogenetic location: Xp22.33.
Variant type: single nucleotide variant.
Coding change: c.185+1G>A on transcript NM_000047.3 (MANE Select); the canonical splice donor site of the intron after coding-DNA position 185, G replaced by A.
Molecular consequence: splice donor variant. On other transcripts: intron variant (1).
Genome position (GRCh38, 1-based): chrX:2,958,273, C>T on the plus strand (G>A on the coding strand, the complement: ARSL is on the minus strand). VCF-style: chrX-2958273-C-T. GRCh37 (hg19) VCF-style: chrX-2876314-C-T.
Other names: c.260+1G>A (NM_001282628.2, NM_001369080.1); c.23+2105G>A (NM_001282631.2); c.212+1G>A (NM_001369079.1).
Identifiers: ClinVar variation 1683205 (VCV001683205.6), dbSNP rs2147401174, ClinGen allele CA412268071.

ClinVar aggregate classification (germline): Likely pathogenic (1 of 4 stars; one submission).

Conditions:
Chondrodysplasia punctata, brachytelephalangic, autosomal. Also called: BRACHYTELEPHALANGIC CHONDRODYSPLASIA PUNCTATA. Identifiers: MedGen C1844853, MONDO:0011238, OMIM 602497.

Submission:

Labcorp Genetics (formerly Invitae), Labcorp
Classification: Likely pathogenic for Chondrodysplasia punctata, brachytelephalangic, autosomal. Last evaluated: 2021-07-13. Review status: criteria provided, single submitter. Criteria: Invitae Variant Classification Sherloc (09022015). Collection method: clinical testing. Allele origin: germline.
Comment: Algorithms developed to predict the effect of sequence changes on RNA splicing suggest that this variant may disrupt the consensus splice site. In summary, the currently available evidence indicates that the variant is pathogenic, but additional data are needed to prove that conclusively. Therefore, this variant has been classified as Likely Pathogenic. This sequence change affects a donor splice site in intron 3 of the ARSE gene. It is expected to disrupt RNA splicing. Variants that disrupt the donor or acceptor splice site typically lead to a loss of protein function (PMID: 16199547), and loss-of-function variants in ARSE are known to be pathogenic (PMID: 9497243, 23470839). This variant is not present in population databases (ExAC no frequency). This variant has not been reported in the literature in individuals affected with ARSE-related conditions.

Literature cited by the submitters: PubMed 16199547; PubMed 9497243; PubMed 23470839.